The following is an entry in ClinVar:

ClinVar aggregate classification (germline): Pathogenic/Likely pathogenic. Review status: criteria provided, multiple submitters, no conflicts (2 of 4 stars). 2 submissions from 2 submitters: Pathogenic (1); Likely pathogenic (1). Last evaluated 2021-03-09.

Conditions:
NPRL3-related disorder. Also called: NPRL3-related condition.
Epilepsy, familial focal, with variable foci 3 (FFEVF3). Identifiers: MedGen C4310708, MONDO:0014925, OMIM 617118.

Submissions (2):

Blueprint Genetics
Classification: Likely pathogenic for NPRL3-related disorders. Last evaluated: 2021-03-09. Review status: criteria provided, single submitter. Criteria: ACMG Guidelines, 2015. Collection method: clinical testing. Allele origin: germline. Affected: yes. Observed: 2 variant alleles.

Labcorp Genetics (formerly Invitae), Labcorp
Classification: Pathogenic for Epilepsy, familial focal, with variable foci 3. Last evaluated: 2021-01-27. Review status: criteria provided, single submitter. Criteria: Invitae Variant Classification Sherloc (09022015). Collection method: clinical testing. Allele origin: germline.
Comment: For these reasons, this variant has been classified as Pathogenic. Loss-of-function variants in NPRL3 are known to be pathogenic (PMID: 26285051, 26505888). This variant has not been reported in the literature in individuals with NPRL3-related conditions. This variant is not present in population databases (ExAC no frequency). This sequence change creates a premature translational stop signal (p.Gln154*) in the NPRL3 gene. It is expected to result in an absent or disrupted protein product.

Literature cited by the submitters: PubMed 26285051 (cited by Labcorp Genetics (formerly Invitae), Labcorp); PubMed 26505888 (cited by Labcorp Genetics (formerly Invitae), Labcorp).

NM_001077350.3(NPRL3):c.460C>T (p.Gln154Ter)

Genes: HBA-LCR (alpha-globin locus control region; plus strand), NPRL3 (NPR3 like, GATOR1 complex subunit; minus strand). Cytogenetic location: 16p13.3.
Variant type: single nucleotide variant.
Coding change: c.460C>T on transcript NM_001077350.3 (MANE Select); coding-DNA position 460, C replaced by T.
Protein change: p.Gln154Ter; replaces glutamine 154 with a stop codon.
Molecular consequence: nonsense. On other transcripts: 5 prime UTR variant (1).
Genome position (GRCh38, 1-based): chr16:112,709, G>A on the plus strand (C>T on the coding strand, the complement: NPRL3 is on the minus strand). VCF-style: chr16-112709-G-A. GRCh37 (hg19) VCF-style: chr16-162708-G-A.
Other names: c.-78C>T (NM_001039476.3); c.226C>T, p.Gln76Ter (NM_001243247.2); c.385C>T, p.Gln129Ter (NM_001243248.2, NM_001243249.2); short protein forms Q129*, Q154*, Q76*.
Identifiers: ClinVar variation 1076033 (VCV001076033.8), dbSNP rs2141950212, ClinGen allele CA393993940.
Genomic context (GRCh38, chr16:112,709, plus strand): 5'-GGAGCGCCAGGATCAGCTTGGCCTCCCGGGTGAGGTACTGGCAGCGGCGCTCCTCGTGCT[G>A]CAGCACGGTGGCGATACGACGGGACAGGTTATGCAGACAGTTTATCACTGACGGGTCTGC-3'